The following is an entry in ClinVar:

NM_000384.3(APOB):c.10135T>G (p.Tyr3379Asp)

Gene: APOB (apolipoprotein B; minus strand). Cytogenetic location: 2p24.1.
Variant type: single nucleotide variant.
Coding change: c.10135T>G on transcript NM_000384.3 (MANE Select); coding-DNA position 10135, T replaced by G.
Protein change: p.Tyr3379Asp; replaces tyrosine 3379 with aspartic acid.
Molecular consequence: missense variant.
Genome position (GRCh38, 1-based): chr2:21,006,733, A>C on the plus strand (T>G on the coding strand, the complement: APOB is on the minus strand). VCF-style: chr2-21006733-A-C. GRCh37 (hg19) VCF-style: chr2-21229605-A-C.
Other names: short protein forms Y3379D.
Identifiers: ClinVar variation 3778383 (VCV003778383.7).

ClinVar aggregate classification (germline): Uncertain significance (1 of 4 stars; one submission).

Submission:

CeGaT Center for Human Genetics Tuebingen
Classification: Uncertain significance. Last evaluated: 2025-02-01. Review status: criteria provided, single submitter. Criteria: CeGaT Center For Human Genetics Tuebingen Variant Classification Criteria Version 2. Collection method: clinical testing. Allele origin: germline. Affected: yes. Observed: 1 variant allele.
Comment: APOB: PM2, PM3